The following is an entry in ClinVar:

NM_000521.4(HEXB):c.1379G>A (p.Trp460Ter)

Gene: HEXB (hexosaminidase subunit beta; plus strand). Cytogenetic location: 5q13.3.
Variant type: single nucleotide variant.
Coding change: c.1379G>A on transcript NM_000521.4 (MANE Select); coding-DNA position 1379, G replaced by A.
Protein change: p.Trp460Ter; replaces tryptophan 460 with a stop codon.
Molecular consequence: nonsense.
Genome position (GRCh38, 1-based): chr5:74,718,933, G>A. VCF-style: chr5-74718933-G-A. GRCh37 (hg19) VCF-style: chr5-74014758-G-A.
Other names: c.704G>A, p.Trp235Ter (NM_001292004.2); short protein forms W235*, W460*.
Identifiers: ClinVar variation 2975014 (VCV002975014.3), dbSNP rs2478765910, ClinGen allele CA360070448.
Genomic context (GRCh38, chr5:74,718,933, plus strand): 5'-GCTTCCCTGTAATCCTTTCTGCTCCTTGGTACTTAGATTTGATTAGCTATGGACAAGATT[G>A]GAGGAAATACTATAAAGTGGAACCTCTTGATTTTGGCGGTAAGTGAAGCAGTTGGTCCAA-3'

ClinVar aggregate classification (germline): Pathogenic (1 of 4 stars; one submission).

Conditions:
Sandhoff disease. Also called: GM2-GANGLIOSIDOSIS, TYPE II; HEXOSAMINIDASES A AND B DEFICIENCY; Beta-hexosaminidase-beta-subunit deficiency; GM2 gangliosidosis, type 2; Total hexosaminidase deficiency; Sandhoff-Jatzkewitz-Pilz disease. Identifiers: Orphanet 796, MedGen C0036161, MONDO:0010006, OMIM 268800.

Allele frequency attached by ClinVar (database versions not stated): gnomAD exomes below 0.00001.
gnomAD v4.1: 1 of 1,614,094 alleles (0.000062%); highest among the groups gnomAD compares: Non-Finnish European, 0.000085%; no homozygotes.

Submission:

Labcorp Genetics (formerly Invitae), Labcorp
Classification: Pathogenic for Sandhoff disease. Last evaluated: 2023-07-28. Review status: criteria provided, single submitter. Criteria: Invitae Variant Classification Sherloc (09022015). Collection method: clinical testing. Allele origin: germline.
Comment: For these reasons, this variant has been classified as Pathogenic. Algorithms developed to predict the effect of sequence changes on RNA splicing suggest that this variant may disrupt the consensus splice site. This variant has not been reported in the literature in individuals affected with HEXB-related conditions. This variant is not present in population databases (gnomAD no frequency). This sequence change creates a premature translational stop signal (p.Trp460*) in the HEXB gene. It is expected to result in an absent or disrupted protein product. Loss-of-function variants in HEXB are known to be pathogenic (PMID: 7550345, 18758829).

Literature cited by the submitters: PubMed 7550345; PubMed 18758829.